The following is an entry in ClinVar:

ClinVar aggregate classification (germline): Uncertain significance. Review status: criteria provided, multiple submitters, no conflicts (2 of 4 stars). 2 submissions from 2 submitters: Uncertain significance (2). Last evaluated 2023-10-23.

Conditions:
Cardiovascular phenotype. Identifiers: MedGen CN230736.
Cardiac arrhythmia, ankyrin-B-related. Also called: ANKYRIN-B SYNDROME. Identifiers: Orphanet 101016, Orphanet 768, MedGen C1970119, MONDO:0010958, OMIM 600919.

Allele frequency attached by ClinVar (database versions not stated): gnomAD 0.00001; gnomAD exomes 0.00001; TOPMed 0.00001.
gnomAD v4.1: 2 of 1,565,670 alleles (0.00013%); highest among the groups gnomAD compares: African/African-American, 0.0027%; no homozygotes.

Submissions (2):

Ambry Genetics
Classification: Uncertain significance for Cardiovascular phenotype. Last evaluated: 2023-10-23. Review status: criteria provided, single submitter. Criteria: Ambry Variant Classification Scheme 2023. Collection method: clinical testing. Allele origin: germline.
Comment: The p.G487C variant (also known as c.1459G>T), located in coding exon 14 of the ANK2 gene, results from a G to T substitution at nucleotide position 1459. The glycine at codon 487 is replaced by cysteine, an amino acid with highly dissimilar properties. This amino acid position is conserved. In addition, this alteration is predicted to be deleterious by in silico analysis. Since supporting evidence is limited at this time, the clinical significance of this alteration remains unclear.

Baylor Genetics
Classification: Uncertain significance for Cardiac arrhythmia, ankyrin-B-related. Last evaluated: 2018-08-08. Review status: criteria provided, single submitter. Criteria: ACMG Guidelines, 2015. Collection method: clinical testing. Allele origin: unknown. Affected: yes.
Comment: This variant was determined to be of uncertain significance according to ACMG Guidelines, 2015 [PMID:25741868].

NM_001148.6(ANK2):c.1459G>T (p.Gly487Cys)

Gene: ANK2 (ankyrin 2; plus strand). Cytogenetic location: 4q26.
Variant type: single nucleotide variant.
Coding change: c.1459G>T on transcript NM_001148.6 (MANE Select); coding-DNA position 1459, G replaced by T.
Protein change: p.Gly487Cys; replaces glycine 487 with cysteine.
Molecular consequence: missense variant.
Genome position (GRCh38, 1-based): chr4:113,264,969, G>T. VCF-style: chr4-113264969-G-T. GRCh37 (hg19) VCF-style: chr4-114186125-G-T.
Other names: c.1396G>T, p.Gly466Cys (NM_001127493.3, NM_001354239.2, NM_001354243.2 and 14 more transcripts); c.1459G>T, p.Gly487Cys (NM_001354225.2, NM_001354228.2, NM_001354232.2 and 8 more transcripts); c.1504G>T, p.Gly502Cys (NM_001354230.2, NM_001354231.2, NM_001354237.2 and 5 more transcripts); c.1372G>T, p.Gly458Cys (NM_001354249.2, NM_001354260.2, NM_001354264.2 and 13 more transcripts); c.1417G>T, p.Gly473Cys (NM_001354261.2, NM_001386147.1, NM_001386160.1); c.1249G>T, p.Gly417Cys (NM_001354269.3); c.1261G>T, p.Gly421Cys (NM_001354273.2); c.1174G>T, p.Gly392Cys (NM_001354277.2, NM_001386157.1, NM_001386158.1); and 4 more; short protein forms G392C, G475C, G502C, G421C, G496C, G458C, G466C, G473C.
Identifiers: ClinVar variation 1033336 (VCV001033336.2), dbSNP rs1470709043, ClinGen allele CA357931240.